The following is an entry in ClinVar:

NM_006790.3(MYOT):c.849G>A (p.Trp283Ter)

Genes: MYOT (myotilin; plus strand), PKD2L2-DT (PKD2L2 divergent transcript; minus strand). Cytogenetic location: 5q31.2.
Variant type: single nucleotide variant.
Coding change: c.849G>A on transcript NM_006790.3 (MANE Select); coding-DNA position 849, G replaced by A.
Protein change: p.Trp283Ter; replaces tryptophan 283 with a stop codon.
Molecular consequence: nonsense.
Genome position (GRCh38, 1-based): chr5:137,883,416, G>A. VCF-style: chr5-137883416-G-A. GRCh37 (hg19) VCF-style: chr5-137219105-G-A.
Other names: c.297G>A, p.Trp99Ter (NM_001135940.2); c.504G>A, p.Trp168Ter (NM_001300911.2); short protein forms W168*, W283*, W99*.
Identifiers: ClinVar variation 3041684 (VCV003041684.2), dbSNP rs1283955503, ClinGen allele CA361055562.

ClinVar aggregate classification (germline): Uncertain significance (0 of 4 stars; one submission).

Conditions:
MYOT-related disorder. Also called: MYOT-related condition.

Allele frequency attached by ClinVar (database versions not stated): gnomAD 0.00001; TOPMed 0.00001.
gnomAD v4.1: 1 of 1,613,920 alleles (0.000062%); highest among the groups gnomAD compares: East Asian, 0.0022%; no homozygotes.

Submission:

PreventionGenetics, part of Exact Sciences
Classification: Uncertain significance for MYOT-related condition. Last evaluated: 2023-12-20. Review status: no assertion criteria provided. Collection method: clinical testing. Allele origin: germline.
Comment: The MYOT c.849G>A variant is predicted to result in premature protein termination (p.Trp283*). To our knowledge, this variant has not been reported in the literature. This variant is reported in 0.064% of alleles in individuals of East Asian descent in gnomAD. Although we suspect that this variant may be pathogenic, at this time, the clinical significance of this variant is uncertain due to the absence of conclusive functional and genetic evidence.